The following is an entry in ClinVar:

NM_014425.5(INVS):c.319T>C (p.Trp107Arg)

Gene: INVS (inversin; plus strand). Cytogenetic location: 9q31.1.
Variant type: single nucleotide variant.
Coding change: c.319T>C on transcript NM_014425.5 (MANE Select); coding-DNA position 319, T replaced by C.
Protein change: p.Trp107Arg; replaces tryptophan 107 with arginine.
Molecular consequence: missense variant. On other transcripts: 5 prime UTR variant (1), non-coding transcript variant (1).
Genome position (GRCh38, 1-based): chr9:100,226,107, T>C. VCF-style: chr9-100226107-T-C. GRCh37 (hg19) VCF-style: chr9-102988389-T-C.
Other names: c.31T>C, p.Trp11Arg (NM_001318381.2); c.-671T>C (NM_001318382.2); short protein forms W11R, W107R.
Identifiers: ClinVar variation 2015201 (VCV002015201.4), dbSNP rs1831309953, ClinGen allele CA374359106.
Genomic context (GRCh38, chr9:100,226,107, plus strand): 5'-TTGTTTTTTATTTAGGGAAATTATCGTTTCATGAAACTCTTACTTACACGCAGAGCAAAC[T>C]GGATGCAAAAGGATCTGGAAGAGATGACTCCTTTGCACTTGACCACCCGGCACAGGAGCC-3'
Protein context (NP_055240.2, residues 97-117): MKLLLTRRAN[Trp107Arg]MQKDLEEMTP

ClinVar aggregate classification (germline): Uncertain significance (1 of 4 stars; one submission).

Conditions:
Nephronophthisis. Also called: Juvenile Nephronophthisis. Identifiers: Orphanet 655, MedGen C0687120, MONDO:0019005, HP:0000090.

Submission:

Labcorp Genetics (formerly Invitae), Labcorp
Classification: Uncertain significance for Nephronophthisis. Last evaluated: 2022-10-05. Review status: criteria provided, single submitter. Criteria: Invitae Variant Classification Sherloc (09022015). Collection method: clinical testing. Allele origin: germline.
Comment: This sequence change replaces tryptophan, which is neutral and slightly polar, with arginine, which is basic and polar, at codon 107 of the INVS protein (p.Trp107Arg). This variant is not present in population databases (gnomAD no frequency). This variant has not been reported in the literature in individuals affected with INVS-related conditions. Algorithms developed to predict the effect of missense changes on protein structure and function are either unavailable or do not agree on the potential impact of this missense change (SIFT: "Deleterious"; PolyPhen-2: "Possibly Damaging"; Align-GVGD: "Class C0"). In summary, the available evidence is currently insufficient to determine the role of this variant in disease. Therefore, it has been classified as a Variant of Uncertain Significance.